The following is an entry in ClinVar:

ClinVar aggregate classification (germline): Uncertain significance (1 of 4 stars; one submission).

Conditions:
COG5-congenital disorder of glycosylation. Also called: CDG IIi; CONGENITAL DISORDER OF GLYCOSYLATION, TYPE IIi; COG5-CDG. Identifiers: Orphanet 263487, MedGen C3150876, MONDO:0013325, OMIM 613612.

gnomAD v4.1: 3 of 1,608,770 alleles (0.00019%); highest among the groups gnomAD compares: East Asian, 0.0067%; no homozygotes.

Submission:

Labcorp Genetics (formerly Invitae), Labcorp
Classification: Uncertain significance for COG5-congenital disorder of glycosylation. Last evaluated: 2025-10-14. Review status: criteria provided, single submitter. Criteria: Invitae Variant Classification Sherloc (09022015). Collection method: clinical testing. Allele origin: germline.
Comment: This sequence change replaces leucine, which is neutral and non-polar, with valine, which is neutral and non-polar, at codon 731 of the COG5 protein (p.Leu731Val). This variant is present in population databases (rs757640217, gnomAD 0.1%). This variant has not been reported in the literature in individuals affected with COG5-related conditions. Invitae Evidence Modeling of protein sequence and biophysical properties (such as structural, functional, and spatial information, amino acid conservation, physicochemical variation, residue mobility, and thermodynamic stability) indicates that this missense variant is not expected to disrupt COG5 protein function with a negative predictive value of 80%. In summary, the available evidence is currently insufficient to determine the role of this variant in disease. Therefore, it has been classified as a Variant of Uncertain Significance.

NM_006348.5(COG5):c.2098T>G (p.Leu700Val)

Gene: COG5 (component of oligomeric golgi complex 5; minus strand). Cytogenetic location: 7q22.3.
Variant type: single nucleotide variant.
Coding change: c.2098T>G on transcript NM_006348.5 (MANE Select); coding-DNA position 2098, T replaced by G.
Protein change: p.Leu700Val; replaces leucine 700 with valine.
Molecular consequence: missense variant. On other transcripts: intron variant (1).
Genome position (GRCh38, 1-based): chr7:107,230,685, A>C on the plus strand (T>G on the coding strand, the complement: COG5 is on the minus strand). VCF-style: chr7-107230685-A-C. GRCh37 (hg19) VCF-style: chr7-106871130-A-C.
Other names: c.2098T>G, p.Leu700Val (NM_001161520.2, NM_001379513.1); c.1936T>G, p.Leu646Val (NM_001379511.1); c.1924T>G, p.Leu642Val (NM_001379512.1); c.1528T>G, p.Leu510Val (NM_001379515.1); c.1384T>G, p.Leu462Val (NM_001379516.1); c.2035T>G, p.Leu679Val (NM_181733.4); c.1853+17711T>G (NM_001379514.1); short protein forms L462V, L510V, L642V, L646V, L679V, L700V.
Identifiers: ClinVar variation 4805047 (VCV004805047.1).